The following is an entry in ClinVar:

ClinVar aggregate classification (germline): Uncertain significance (1 of 4 stars; one submission).

gnomAD v4.1: 3 of 1,211,759 alleles (0.00025%); highest among the groups gnomAD compares: Non-Finnish European, 0.00034%; no homozygotes.

Submission:

Labcorp Genetics (formerly Invitae), Labcorp
Classification: Uncertain significance. Last evaluated: 2025-07-03. Review status: criteria provided, single submitter. Criteria: Invitae Variant Classification Sherloc (09022015). Collection method: clinical testing. Allele origin: germline.
Comment: This sequence change replaces glycine, which is neutral and non-polar, with aspartic acid, which is acidic and polar, at codon 580 of the DDX53 protein (p.Gly580Asp). This variant is not present in population databases (gnomAD no frequency). This variant has not been reported in the literature in individuals affected with DDX53-related conditions. An algorithm developed to predict the effect of missense changes on protein structure and function outputs the following: PolyPhen-2: "Benign". The aspartic acid amino acid residue is found in multiple mammalian species, which suggests that this missense change does not adversely affect protein function. In summary, the available evidence is currently insufficient to determine the role of this variant in disease. Therefore, it has been classified as a Variant of Uncertain Significance.

NM_182699.4(DDX53):c.1739G>A (p.Gly580Asp)

Genes: DDX53 (DEAD-box helicase 53; plus strand), PTCHD1-AS (PTCHD1 and PHEX antisense RNA; minus strand). Cytogenetic location: Xp22.11.
Variant type: single nucleotide variant.
Coding change: c.1739G>A on transcript NM_182699.4 (MANE Select); coding-DNA position 1739, G replaced by A.
Protein change: p.Gly580Asp; replaces glycine 580 with aspartic acid.
Molecular consequence: missense variant.
Genome position (GRCh38, 1-based): chrX:23,001,796, G>A. VCF-style: chrX-23001796-G-A. GRCh37 (hg19) VCF-style: chrX-23019913-G-A.
Other names: short protein forms G580D.
Identifiers: ClinVar variation 4722593 (VCV004722593.1).